The following is an entry in ClinVar:

NM_133497.4(KCNV2):c.1479CAA[1] (p.Asn494del)

Gene: KCNV2 (potassium voltage-gated channel modifier subfamily V member 2; plus strand). Cytogenetic location: 9p24.2.
Variant type: Microsatellite.
Coding change: c.1479CAA[1] on transcript NM_133497.4 (MANE Select); one copy of the 3-base unit CAA starting at c.1479; the reference has two copies in a row; one copy, 3 bases deleted.
Protein change: p.Asn494del; deletes asparagine 494.
Molecular consequence: inframe deletion.
Genome position (GRCh38, 1-based): chr9:2,729,571-2,729,573, CAA deleted; deleting any 3 consecutive bases within chr9:2,729,567-2,729,573 gives the same sequence; the position shown is the placement nearest the transcript's 3' end. VCF-style (leftmost placement, unchanged base first): chr9-2729566-TACA-T. GRCh37 (hg19) VCF-style: chr9-2729566-TACA-T.
Other names: short protein forms N494del.
Identifiers: ClinVar variation 1920089 (VCV001920089.3), dbSNP rs1330083909, ClinGen allele CA463854083.
Genomic context (GRCh38, chr9:2,729,566, plus strand): 5'-TTTGCCTTCCTCTGCATTGCTTTTGGGATCATTCTCAACGGGATGCCCATTTCCATCCTC[TACA>T]ACAAGTTTTCTGATTACTACAGCAAGCTGAAGGCTTATGAGTATACCACCATACGCAGGG-3'

ClinVar aggregate classification (germline): Uncertain significance. Review status: criteria provided, multiple submitters, no conflicts (2 of 4 stars). 2 submissions from 2 submitters: Uncertain significance (2). Last evaluated 2022-08-07.

Submissions (2):

Labcorp Genetics (formerly Invitae), Labcorp
Classification: Uncertain significance. Last evaluated: 2022-08-07. Review status: criteria provided, single submitter. Criteria: Invitae Variant Classification Sherloc (09022015). Collection method: clinical testing. Allele origin: germline.
Comment: This variant, c.1482_1484del, results in the deletion of 1 amino acid(s) of the KCNV2 protein (p.Asn494del), but otherwise preserves the integrity of the reading frame. This variant is present in population databases (no rsID available, gnomAD 0.002%). This variant has not been reported in the literature in individuals affected with KCNV2-related conditions. Experimental studies and prediction algorithms are not available or were not evaluated, and the functional significance of this variant is currently unknown. In summary, the available evidence is currently insufficient to determine the role of this variant in disease. Therefore, it has been classified as a Variant of Uncertain Significance.

Blueprint Genetics
Classification: Uncertain significance. Last evaluated: 2022-06-23. Review status: criteria provided, single submitter. Criteria: ACMG Guidelines, 2015. Collection method: clinical testing. Allele origin: germline.